The following is an entry in ClinVar:

ClinVar aggregate classification (germline): Uncertain significance (1 of 4 stars; one submission).

Conditions:
Familial thoracic aortic aneurysm and aortic dissection (TAAD). Also called: Thoracic aortic aneurysms and dissections. Identifiers: Orphanet 91387, MedGen C4707243, MONDO:0019625.

Submission:

Ambry Genetics
Classification: Uncertain significance for Familial thoracic aortic aneurysm and aortic dissection. Last evaluated: 2026-03-12. Review status: criteria provided, single submitter. Criteria: Ambry Variant Classification Scheme 2023. Collection method: clinical testing. Allele origin: germline.
Comment: The p.M1688K variant (also known as c.5063T>A), located in coding exon 40 of the FBN1 gene, results from a T to A substitution at nucleotide position 5063. The methionine at codon 1688 is replaced by lysine, an amino acid with similar properties. This amino acid position is conserved. In addition, this alteration is predicted to be deleterious by in silico analysis. Based on the available evidence, the clinical significance of this variant remains unclear.

NM_000138.5(FBN1):c.5063T>A (p.Met1688Lys)

Gene: FBN1 (fibrillin 1; minus strand). Cytogenetic location: 15q21.1.
Variant type: single nucleotide variant.
Coding change: c.5063T>A on transcript NM_000138.5 (MANE Select); coding-DNA position 5063, T replaced by A.
Protein change: p.Met1688Lys; replaces methionine 1688 with lysine.
Molecular consequence: missense variant.
Genome position (GRCh38, 1-based): chr15:48,463,901, A>T on the plus strand (T>A on the coding strand, the complement: FBN1 is on the minus strand). VCF-style: chr15-48463901-A-T. GRCh37 (hg19) VCF-style: chr15-48756098-A-T.
Other names: c.5063T>A, p.Met1688Lys (NM_001406716.1); short protein forms M1688K.
Identifiers: ClinVar variation 4827545 (VCV004827545.1).